The following is an entry in ClinVar:

ClinVar aggregate classification (germline): Uncertain significance (1 of 4 stars; one submission).

gnomAD v4.1: 1 of 1,614,036 alleles (0.000062%); highest among the groups gnomAD compares: Non-Finnish European, 0.000085%; no homozygotes.

Submission:

Women's Health and Genetics/Laboratory Corporation of America, LabCorp
Classification: Uncertain significance. Last evaluated: 2025-09-16. Review status: criteria provided, single submitter. Criteria: LabCorp Variant Classification Summary - May 2015. Collection method: clinical testing. Allele origin: germline.
Comment: Variant summary: ASS1 c.370G>C (p.Asp124His) results in a non-conservative amino acid change in the encoded protein sequence. Algorithms developed to predict the effect of missense changes on protein structure and function all suggest that this variant is likely to be disruptive. The variant was absent in 251442 control chromosomes. The available data on variant occurrences in the general population are insufficient to allow any conclusion about variant significance. To our knowledge, no occurrence of c.370G>C in individuals affected with ASS1-related conditions and no experimental evidence demonstrating its impact on protein function have been reported. No submitters have cited clinical-significance assessments for this variant to ClinVar. Based on the evidence outlined above, the variant was classified as uncertain significance.

NM_054012.4(ASS1):c.370G>C (p.Asp124His)

Gene: ASS1 (argininosuccinate synthase 1; plus strand). Cytogenetic location: 9q34.11.
Variant type: single nucleotide variant.
Coding change: c.370G>C on transcript NM_054012.4 (MANE Select); coding-DNA position 370, G replaced by C.
Protein change: p.Asp124His; replaces aspartic acid 124 with histidine.
Molecular consequence: missense variant.
Genome position (GRCh38, 1-based): chr9:130,464,117, G>C. VCF-style: chr9-130464117-G-C. GRCh37 (hg19) VCF-style: chr9-133339504-G-C.
Other names: c.370G>C, p.Asp124His (NM_000050.4); short protein forms D124H.
Identifiers: ClinVar variation 4535489 (VCV004535489.1).
Genomic context (GRCh38, chr9:130,464,117, plus strand): 5'-GACTCCAGAACCCCCATCCTGTGGCTCCTGACAGCCCTCTGTTCTGCATTGCAGGGGAAC[G>C]ATCAGGTCCGGTTTGAGCTCAGCTGCTACTCACTGGCCCCCCAGATAAAGGTAGGATGTG-3'
Protein context (NP_446464.1, residues 114-134): VSHGATGKGN[Asp124His]QVRFELSCYS